The following is an entry in ClinVar:

NM_003240.5(LEFTY2):c.272C>A (p.Ala91Glu)

Gene: LEFTY2 (left-right determination factor 2; minus strand). Cytogenetic location: 1q42.12.
Variant type: single nucleotide variant.
Coding change: c.272C>A on transcript NM_003240.5 (MANE Select); coding-DNA position 272, C replaced by A.
Protein change: p.Ala91Glu; replaces alanine 91 with glutamic acid.
Molecular consequence: missense variant.
Genome position (GRCh38, 1-based): chr1:225,939,981, G>T on the plus strand (C>A on the coding strand, the complement: LEFTY2 is on the minus strand). VCF-style: chr1-225939981-G-T. GRCh37 (hg19) VCF-style: chr1-226127681-G-T.
Other names: c.272C>A, p.Ala91Glu (NM_001172425.3); short protein forms A91E.
Identifiers: ClinVar variation 4996747 (VCV004996747.1).

ClinVar aggregate classification (germline): Uncertain significance (1 of 4 stars; one submission).

Conditions:
LEFTY2-related disorder. Also called: LEFTY2-related condition.

gnomAD v4.1: 4 of 1,595,680 alleles (0.00025%); highest among the groups gnomAD compares: Non-Finnish European, 0.00025%; no homozygotes.

Submission:

PreventionGenetics, part of Exact Sciences
Classification: Uncertain significance for LEFTY2-related condition. Last evaluated: 2024-11-11. Review status: criteria provided, single submitter. Criteria: ACMG Guidelines, 2015. Collection method: clinical testing. Allele origin: germline.
Comment: The LEFTY2 c.272C>A variant is predicted to result in the amino acid substitution p.Ala91Glu. To our knowledge, this variant has not been reported in the literature. This variant is reported in 0.0% of alleles in individuals of African descent in gnomAD. At this time, the clinical significance of this variant is uncertain due to the absence of conclusive functional and genetic evidence.